The following is an entry in ClinVar:

ClinVar aggregate classification (germline): Uncertain significance. Review status: criteria provided, multiple submitters, no conflicts (2 of 4 stars). 2 submissions from 2 submitters: Uncertain significance (2). Last evaluated 2023-10-24.

Conditions:
AUTS2-related disorder. Also called: AUTS2-related condition.

Allele frequency attached by ClinVar (database versions not stated): gnomAD exomes 0.00001; TOPMed 0.00001; ExAC 0.00003.
gnomAD v4.1: 5 of 1,614,094 alleles (0.00031%); highest among the groups gnomAD compares: Admixed American, 0.0033%; no homozygotes.

Submissions (2):

Labcorp Genetics (formerly Invitae), Labcorp
Classification: Uncertain significance. Last evaluated: 2023-10-24. Review status: criteria provided, single submitter. Criteria: Invitae Variant Classification Sherloc (09022015). Collection method: clinical testing. Allele origin: germline.
Comment: This sequence change replaces lysine, which is basic and polar, with arginine, which is basic and polar, at codon 902 of the AUTS2 protein (p.Lys902Arg). This variant is present in population databases (rs763718023, gnomAD 0.009%). This variant has not been reported in the literature in individuals affected with AUTS2-related conditions. Advanced modeling of protein sequence and biophysical properties (such as structural, functional, and spatial information, amino acid conservation, physicochemical variation, residue mobility, and thermodynamic stability) performed at Invitae indicates that this missense variant is not expected to disrupt AUTS2 protein function with a negative predictive value of 80%. In summary, the available evidence is currently insufficient to determine the role of this variant in disease. Therefore, it has been classified as a Variant of Uncertain Significance.

PreventionGenetics, part of Exact Sciences
Classification: Uncertain significance for AUTS2-related condition. Last evaluated: 2022-10-24. Review status: criteria provided, single submitter. Criteria: ACMG Guidelines, 2015. Collection method: clinical testing. Allele origin: germline.
Comment: The AUTS2 c.2705A>G variant is predicted to result in the amino acid substitution p.Lys902Arg. To our knowledge, this variant has not been reported in the literature. This variant is reported in 0.0087% of alleles in individuals of Latino descent in gnomAD. At this time, the clinical significance of this variant is uncertain due to the absence of conclusive functional and genetic evidence.

NM_015570.4(AUTS2):c.2705A>G (p.Lys902Arg)

Gene: AUTS2 (activator of transcription and developmental regulator AUTS2; plus strand). Cytogenetic location: 7q11.22.
Variant type: single nucleotide variant.
Coding change: c.2705A>G on transcript NM_015570.4 (MANE Select); coding-DNA position 2705, A replaced by G.
Protein change: p.Lys902Arg; replaces lysine 902 with arginine.
Molecular consequence: missense variant.
Genome position (GRCh38, 1-based): chr7:70,789,921, A>G. VCF-style: chr7-70789921-A-G. GRCh37 (hg19) VCF-style: chr7-70254907-A-G.
Other names: c.2633A>G, p.Lys878Arg (NM_001127231.3); short protein forms K878R, K902R.
Identifiers: ClinVar variation 2635393 (VCV002635393.4), dbSNP rs763718023, ClinGen allele CA4281156.
Genomic context (GRCh38, chr7:70,789,921, plus strand): 5'-CTGAGGCTCGGGAGAAGGACAAACCCAAAGAGAGGGAGAGAGACCACTCGGAATCCCGCA[A>G]GGACCTGGCCGCCGACGAGCACAAGGCGAAAGAGGGCCACCTGCCCGAGAAGGACGGGCA-3'
Protein context (NP_056385.1, residues 892-912): ERERDHSESR[Lys902Arg]DLAADEHKAK